The following is an entry in ClinVar:

ClinVar aggregate classification (germline): Uncertain significance. Review status: criteria provided, multiple submitters, no conflicts (2 of 4 stars). 3 submissions from 3 submitters: Uncertain significance (3). Last evaluated 2025-08-31.

Conditions:
Inborn genetic diseases. Identifiers: MedGen C0950123, MeSH D030342.
Primary ciliary dyskinesia 30. Also called: CILIARY DYSKINESIA, PRIMARY, 30, WITH OR WITHOUT SITUS INVERSUS. Identifiers: Orphanet 244, MedGen C4015016, MONDO:0014465, OMIM 616037.

Allele frequency attached by ClinVar (database versions not stated): gnomAD exomes 0.00001 and 0.00003; ExAC 0.00002.
gnomAD v4.1: 37 of 1,591,336 alleles (0.0023%); highest among the groups gnomAD compares: Non-Finnish European, 0.003%; no homozygotes.

Submissions (3):

Ambry Genetics
Classification: Uncertain significance for Inborn genetic diseases. Last evaluated: 2025-08-31. Review status: criteria provided, single submitter. Criteria: Ambry Variant Classification Scheme 2023. Collection method: clinical testing. Allele origin: germline.

Fulgent Genetics
Classification: Uncertain significance for Primary ciliary dyskinesia 30. Last evaluated: 2021-11-01. Review status: criteria provided, single submitter. Criteria: ACMG Guidelines, 2015. Collection method: clinical testing. Allele origin: unknown.

Labcorp Genetics (formerly Invitae), Labcorp
Classification: Uncertain significance for Primary ciliary dyskinesia 30. Last evaluated: 2018-08-24. Review status: criteria provided, single submitter. Criteria: Invitae Variant Classification Sherloc (09022015). Collection method: clinical testing. Allele origin: germline.
Comment: In summary, the available evidence is currently insufficient to determine the role of this variant in disease. Therefore, it has been classified as a Variant of Uncertain Significance. Algorithms developed to predict the effect of missense changes on protein structure and function output the following: SIFT: "Tolerated"; PolyPhen-2: "Benign"; Align-GVGD: "Class C0". The histidine amino acid residue is found in multiple mammalian species, suggesting that this missense change does not adversely affect protein function. These predictions have not been confirmed by published functional studies and their clinical significance is uncertain. This variant has not been reported in the literature in individuals with CCDC151-related disease. The frequency data for this variant in the population databases is considered unreliable, as metrics indicate poor data quality at this position in the ExAC database. This sequence change replaces arginine with histidine at codon 454 of the CCDC151 protein (p.Arg454His). The arginine residue is moderately conserved and there is a small physicochemical difference between arginine and histidine.

NM_145045.5(ODAD3):c.1361G>A (p.Arg454His)

Gene: ODAD3 (outer dynein arm docking complex subunit 3; minus strand). Cytogenetic location: 19p13.2.
Variant type: single nucleotide variant.
Coding change: c.1361G>A on transcript NM_145045.5 (MANE Select); coding-DNA position 1361, G replaced by A.
Protein change: p.Arg454His; replaces arginine 454 with histidine.
Molecular consequence: missense variant.
Genome position (GRCh38, 1-based): chr19:11,422,544, C>T on the plus strand (G>A on the coding strand, the complement: ODAD3 is on the minus strand). VCF-style: chr19-11422544-C-T. GRCh37 (hg19) VCF-style: chr19-11533212-C-T.
Other names: c.1199G>A, p.Arg400His (NM_001302453.1); c.1181G>A, p.Arg394His (NM_001302454.2); short protein forms R394H, R454H, R400H.
Identifiers: ClinVar variation 644900 (VCV000644900.9), dbSNP rs747718544, ClinGen allele CA9212053.